The following is an entry in ClinVar:

ClinVar aggregate classification (germline): Likely benign. Review status: criteria provided, multiple submitters, no conflicts (2 of 4 stars). 2 submissions from 2 submitters: Likely benign (2). Last evaluated 2023-03-08.

Conditions:
Charcot-Marie-Tooth disease axonal type 2O. Also called: Charcot-Marie-Tooth Neuropathy Type 2O; Charcot-Marie-Tooth disease, axonal, type 20; CHARCOT-MARIE-TOOTH NEUROPATHY, AXONAL, TYPE 2O; CHARCOT-MARIE-TOOTH DISEASE, AXONAL, AUTOSOMAL DOMINANT, TYPE 2O. Identifiers: Orphanet 284232, MedGen C3280220, MONDO:0013644, OMIM 614228.

Allele frequency attached by ClinVar (database versions not stated): gnomAD exomes below 0.00001; TOPMed 0.00002.
gnomAD v4.1: 4 of 1,614,192 alleles (0.00025%); highest among the groups gnomAD compares: East Asian, 0.0022%; no homozygotes.

Submissions (2):

Labcorp Genetics (formerly Invitae), Labcorp
Classification: Likely benign for Charcot-Marie-Tooth disease axonal type 2O. Last evaluated: 2023-03-08. Review status: criteria provided, single submitter. Criteria: Invitae Variant Classification Sherloc (09022015). Collection method: clinical testing. Allele origin: germline.

GeneDx
Classification: Likely benign. Last evaluated: 2017-08-21. Review status: criteria provided, single submitter. Criteria: GeneDx Variant Classification (06012015). Collection method: clinical testing. Allele origin: germline. Affected: yes.
Comment: This variant is considered likely benign or benign based on one or more of the following criteria: it is a conservative change, it occurs at a poorly conserved position in the protein, it is predicted to be benign by multiple in silico algorithms, and/or has population frequency not consistent with disease.

NM_001376.5(DYNC1H1):c.3603G>A (p.Arg1201=)

Gene: DYNC1H1 (dynein cytoplasmic 1 heavy chain 1; plus strand). Cytogenetic location: 14q32.31.
Variant type: single nucleotide variant.
Coding change: c.3603G>A on transcript NM_001376.5 (MANE Select); coding-DNA position 3603, G replaced by A.
Protein change: p.Arg1201=; no amino-acid change (arginine 1201 retained).
Molecular consequence: synonymous variant.
Genome position (GRCh38, 1-based): chr14:101,997,073, G>A. VCF-style: chr14-101997073-G-A. GRCh37 (hg19) VCF-style: chr14-102463410-G-A.
Identifiers: ClinVar variation 511646 (VCV000511646.4), dbSNP rs727505393, ClinGen allele CA266989094.
Genomic context (GRCh38, chr14:101,997,073, plus strand): 5'-ATTTATTTTTTAACTCTCAAAGCTCTACCGCAATGGCCAGCGCTTACTGGAAAAGCAAAG[G>A]TTCCAGTTCCCACCTTCCTGGCTTTATATTGACAACATCGAGGGAGAGTGGGGAGCCTTC-3'
Protein context (NP_001367.2, residues 1191-1211): RNGQRLLEKQ[Arg1201=]FQFPPSWLYI